The following is an entry in ClinVar:

ClinVar aggregate classification (germline): Uncertain significance (1 of 4 stars; one submission).

Conditions:
Spermatogenic failure 18. Identifiers: MedGen C4539783, MONDO:0054615, OMIM 617576.
Ciliary dyskinesia, primary, 37 (CILD37). Also called: CILIARY DYSKINESIA, PRIMARY, 37, WITH OR WITHOUT SITUS INVERSUS. Identifiers: MedGen C4539798, MONDO:0033204, OMIM 617577.

Allele frequency attached by ClinVar (database versions not stated): gnomAD 0.00001; TOPMed 0.00003.
gnomAD v4.1: 12 of 1,586,910 alleles (0.00076%); highest among the groups gnomAD compares: East Asian, 0.0023%; no homozygotes.

Submission:

Labcorp Genetics (formerly Invitae), Labcorp
Classification: Uncertain significance for Ciliary dyskinesia, primary, 37; Spermatogenic failure 18. Last evaluated: 2026-01-05. Review status: criteria provided, single submitter. Criteria: Invitae Variant Classification Sherloc (09022015). Collection method: clinical testing. Allele origin: germline.
Comment: This sequence change affects codon 1315 of the DNAH1 mRNA. It is a 'silent' change, meaning that it does not change the encoded amino acid sequence of the DNAH1 protein. This variant is not present in population databases (gnomAD no frequency). This variant has not been reported in the literature in individuals affected with DNAH1-related conditions. ClinVar contains an entry for this variant (Variation ID: 1953203). Algorithms developed to predict the effect of sequence changes on RNA splicing suggest that this variant may disrupt the consensus splice site. In summary, the available evidence is currently insufficient to determine the role of this variant in disease. Therefore, it has been classified as a Variant of Uncertain Significance.

NM_015512.5(DNAH1):c.3945C>T (p.Ser1315=)

Gene: DNAH1 (dynein axonemal heavy chain 1; plus strand). Cytogenetic location: 3p21.1.
Variant type: single nucleotide variant.
Coding change: c.3945C>T on transcript NM_015512.5 (MANE Select); coding-DNA position 3945, C replaced by T.
Protein change: p.Ser1315=; no amino-acid change (serine 1315 retained).
Molecular consequence: synonymous variant.
Genome position (GRCh38, 1-based): chr3:52,357,700, C>T. VCF-style: chr3-52357700-C-T. GRCh37 (hg19) VCF-style: chr3-52391716-C-T.
Identifiers: ClinVar variation 1953203 (VCV001953203.5), dbSNP rs751478610, ClinGen allele CA2433741.